The following is an entry in ClinVar:

ClinVar aggregate classification (germline): Uncertain significance (1 of 4 stars; one submission).

Conditions:
Charcot-Marie-Tooth disease axonal type 2O. Also called: CHARCOT-MARIE-TOOTH NEUROPATHY, AXONAL, TYPE 2O; CHARCOT-MARIE-TOOTH DISEASE, AXONAL, AUTOSOMAL DOMINANT, TYPE 2O; Charcot-Marie-Tooth Neuropathy Type 2O; Charcot-Marie-Tooth disease, axonal, type 20. Identifiers: Orphanet 284232, MedGen C3280220, MONDO:0013644, OMIM 614228.

gnomAD v4.1: 1 of 1,614,034 alleles (0.000062%); highest among the groups gnomAD compares: Non-Finnish European, 0.000085%; no homozygotes.

Submission:

Labcorp Genetics (formerly Invitae), Labcorp
Classification: Uncertain significance for Charcot-Marie-Tooth disease axonal type 2O. Last evaluated: 2025-06-27. Review status: criteria provided, single submitter. Criteria: Invitae Variant Classification Sherloc (09022015). Collection method: clinical testing. Allele origin: germline.
Comment: This sequence change replaces leucine, which is neutral and non-polar, with proline, which is neutral and non-polar, at codon 733 of the DYNC1H1 protein (p.Leu733Pro). This variant is not present in population databases (gnomAD no frequency). This variant has not been reported in the literature in individuals affected with DYNC1H1-related conditions. Invitae Evidence Modeling of protein sequence and biophysical properties (such as structural, functional, and spatial information, amino acid conservation, physicochemical variation, residue mobility, and thermodynamic stability) indicates that this missense variant is expected to disrupt DYNC1H1 protein function with a positive predictive value of 95%. In summary, the available evidence is currently insufficient to determine the role of this variant in disease. Therefore, it has been classified as a Variant of Uncertain Significance.

NM_001376.5(DYNC1H1):c.2198T>C (p.Leu733Pro)

Gene: DYNC1H1 (dynein cytoplasmic 1 heavy chain 1; plus strand). Cytogenetic location: 14q32.31.
Variant type: single nucleotide variant.
Coding change: c.2198T>C on transcript NM_001376.5 (MANE Select); coding-DNA position 2198, T replaced by C.
Protein change: p.Leu733Pro; replaces leucine 733 with proline.
Molecular consequence: missense variant.
Genome position (GRCh38, 1-based): chr14:101,986,423, T>C. VCF-style: chr14-101986423-T-C. GRCh37 (hg19) VCF-style: chr14-102452760-T-C.
Other names: short protein forms L733P.
Identifiers: ClinVar variation 4802038 (VCV004802038.1).
Genomic context (GRCh38, chr14:101,986,423, plus strand): 5'-TCTCGGGGCGCATTTTCACCATCGAAAGTACTCGGGTTCGGGGCCGAACTGGAAATGTGC[T>C]TAAGCTGAAAGTTAACTTTCTTCCTGAGATTATCACACTATCCAAAGAAGTCCGGAACCT-3'
Protein context (NP_001367.2, residues 723-743): TRVRGRTGNV[Leu733Pro]KLKVNFLPEI